The following is an entry in ClinVar:

NM_182961.4(SYNE1):c.13729T>C (p.Trp4577Arg)

Gene: SYNE1 (spectrin repeat containing nuclear envelope protein 1; minus strand). Cytogenetic location: 6q25.2.
Variant type: single nucleotide variant.
Coding change: c.13729T>C on transcript NM_182961.4 (MANE Select); coding-DNA position 13729, T replaced by C.
Protein change: p.Trp4577Arg; replaces tryptophan 4577 with arginine.
Molecular consequence: missense variant.
Genome position (GRCh38, 1-based): chr6:152,330,956, A>G on the plus strand (T>C on the coding strand, the complement: SYNE1 is on the minus strand). VCF-style: chr6-152330956-A-G. GRCh37 (hg19) VCF-style: chr6-152652091-A-G.
Other names: c.13516T>C, p.Trp4506Arg (NM_033071.5); short protein forms W4506R, W4577R.
Identifiers: ClinVar variation 2637106 (VCV002637106.1), dbSNP rs756159016, ClinGen allele CA4056130.

ClinVar aggregate classification (germline): Uncertain significance (1 of 4 stars; one submission).

Conditions:
SYNE1-related disorder. Also called: SYNE1-related disease; SYNE1-related condition; SYNE1-related disorders.

Allele frequency attached by ClinVar (database versions not stated): gnomAD exomes below 0.00001; ExAC 0.00001.
gnomAD v4.1: 3 of 1,614,212 alleles (0.00019%); highest among the groups gnomAD compares: Non-Finnish European, 0.00017%; no homozygotes.

Submission:

PreventionGenetics, part of Exact Sciences
Classification: Uncertain significance for SYNE1-related condition. Last evaluated: 2023-02-15. Review status: criteria provided, single submitter. Criteria: ACMG Guidelines, 2015. Collection method: clinical testing. Allele origin: germline.
Comment: The SYNE1 c.13516T>C variant is predicted to result in the amino acid substitution p.Trp4506Arg. To our knowledge, this variant has not been reported in the literature. This variant is reported in 0.00088% of alleles in individuals of European (Non-Finnish) descent in gnomAD. At this time, the clinical significance of this variant is uncertain due to the absence of conclusive functional and genetic evidence.